The following is an entry in ClinVar:

NM_014844.5(TECPR2):c.2876G>A (p.Arg959Gln)

Gene: TECPR2 (tectonin beta-propeller repeat containing 2; plus strand). Cytogenetic location: 14q32.31.
Variant type: single nucleotide variant.
Coding change: c.2876G>A on transcript NM_014844.5 (MANE Select); coding-DNA position 2876, G replaced by A.
Protein change: p.Arg959Gln; replaces arginine 959 with glutamine.
Molecular consequence: missense variant.
Genome position (GRCh38, 1-based): chr14:102,443,770, G>A. VCF-style: chr14-102443770-G-A. GRCh37 (hg19) VCF-style: chr14-102910107-G-A.
Other names: c.2876G>A, p.Arg959Gln (NM_001172631.3); short protein forms R959Q.
Identifiers: ClinVar variation 565909 (VCV000565909.7), dbSNP rs763118922, ClinGen allele CA7358070.

ClinVar aggregate classification (germline): Uncertain significance. Review status: criteria provided, multiple submitters, no conflicts (2 of 4 stars). 3 submissions from 3 submitters: Uncertain significance (2). 1 of the submissions does not count toward it. Last evaluated 2025-11-17.

Conditions:
Hereditary spastic paraplegia 49 (HSAN9). Also called: Spastic paraplegia 49, autosomal recessive; NEUROPATHY, HEREDITARY SENSORY AND AUTONOMIC, TYPE IX, WITH DEVELOPMENTAL DELAY; TECPR2-Related Hereditary Sensory and Autonomic Neuropathy with Intellectual Disability. Identifiers: Orphanet 320385, MedGen C5190860, MONDO:0014016, OMIM 615031.

Allele frequency attached by ClinVar (database versions not stated): gnomAD 0.00001; gnomAD exomes 0.00002; ExAC 0.00003.
gnomAD v4.1: 9 of 1,608,784 alleles (0.00056%); highest among the groups gnomAD compares: South Asian, 0.0066%; no homozygotes.

Submissions (3):

Myriad Genetics, Inc.
Classification: Uncertain significance for Hereditary spastic paraplegia 49. Last evaluated: 2025-11-17. Review status: criteria provided, single submitter. Criteria: Myriad Autosomal Dominant, Autosomal Recessive and X-Linked Classification Criteria (2023). Collection method: clinical testing. Allele origin: unknown.
Comment: NM_014844.3(TECPR2):c.2876G>A(R959Q) is a missense variant classified as a variant of uncertain significance in the context of spastic paraplegia, TECPR2-related. R959Q has not been observed in cases with relevant disease. Relevant functional assessments of this variant are not available in the literature. R959Q has been observed in referenced population frequency databases. In summary, there is insufficient evidence to classify NM_014844.3(TECPR2):c.2876G>A(R959Q) as pathogenic or benign. Please note: this variant was assessed in the context of healthy population screening.

Labcorp Genetics (formerly Invitae), Labcorp
Classification: Uncertain significance for Hereditary spastic paraplegia 49. Last evaluated: 2021-08-27. Review status: criteria provided, single submitter. Criteria: Invitae Variant Classification Sherloc (09022015). Collection method: clinical testing. Allele origin: germline.
Comment: This sequence change replaces arginine with glutamine at codon 959 of the TECPR2 protein (p.Arg959Gln). The arginine residue is highly conserved and there is a small physicochemical difference between arginine and glutamine. This variant is present in population databases (rs763118922, ExAC 0.02%). This variant has not been reported in the literature in individuals affected with TECPR2-related conditions. Algorithms developed to predict the effect of missense changes on protein structure and function are either unavailable or do not agree on the potential impact of this missense change (SIFT: "Deleterious"; PolyPhen-2: "Probably Damaging"; Align-GVGD: "Class C0"). Algorithms developed to predict the effect of sequence changes on RNA splicing suggest that this variant may create or strengthen a splice site. In summary, the available evidence is currently insufficient to determine the role of this variant in disease. Therefore, it has been classified as a Variant of Uncertain Significance.

Natera, Inc.
Classification: Uncertain significance for Autosomal recessive spastic paraplegia type 49. Last evaluated: 2019-11-11. Review status: no assertion criteria provided. Collection method: clinical testing. Allele origin: germline. Not counted in ClinVar's aggregate classification.